The following is an entry in ClinVar:

ClinVar aggregate classification (germline): Uncertain significance (1 of 4 stars; one submission).

Allele frequency attached by ClinVar (database versions not stated): gnomAD exomes 0.00001; gnomAD 0.00002; TOPMed 0.00002.
gnomAD v4.1: 10 of 1,613,722 alleles (0.00062%); highest among the groups gnomAD compares: East Asian, 0.0089%; no homozygotes.

Submission:

Labcorp Genetics (formerly Invitae), Labcorp
Classification: Uncertain significance. Last evaluated: 2023-12-10. Review status: criteria provided, single submitter. Criteria: Invitae Variant Classification Sherloc (09022015). Collection method: clinical testing. Allele origin: germline.
Comment: This sequence change replaces arginine, which is basic and polar, with cysteine, which is neutral and slightly polar, at codon 1176 of the MYH3 protein (p.Arg1176Cys). This variant is present in population databases (no rsID available, gnomAD 0.006%). This variant has not been reported in the literature in individuals affected with MYH3-related conditions. Advanced modeling of protein sequence and biophysical properties (such as structural, functional, and spatial information, amino acid conservation, physicochemical variation, residue mobility, and thermodynamic stability) performed at Invitae indicates that this missense variant is not expected to disrupt MYH3 protein function with a negative predictive value of 95%. In summary, the available evidence is currently insufficient to determine the role of this variant in disease. Therefore, it has been classified as a Variant of Uncertain Significance.

NM_002470.4(MYH3):c.3526C>T (p.Arg1176Cys)

Gene: MYH3 (myosin heavy chain 3; minus strand). Cytogenetic location: 17p13.1.
Variant type: single nucleotide variant.
Coding change: c.3526C>T on transcript NM_002470.4 (MANE Select); coding-DNA position 3526, C replaced by T.
Protein change: p.Arg1176Cys; replaces arginine 1176 with cysteine.
Molecular consequence: missense variant.
Genome position (GRCh38, 1-based): chr17:10,638,246, G>A on the plus strand (C>T on the coding strand, the complement: MYH3 is on the minus strand). VCF-style: chr17-10638246-G-A. GRCh37 (hg19) VCF-style: chr17-10541563-G-A.
Other names: short protein forms R1176C.
Identifiers: ClinVar variation 3005301 (VCV003005301.3), dbSNP rs1422222290, ClinGen allele CA398151530.